The following is an entry in ClinVar:

ClinVar aggregate classification (germline): Uncertain significance. Review status: criteria provided, multiple submitters, no conflicts (2 of 4 stars). 2 submissions from 2 submitters: Uncertain significance (2). Last evaluated 2025-07-15.

Conditions:
Inborn genetic diseases. Identifiers: MedGen C0950123, MeSH D030342.

Allele frequency attached by ClinVar (database versions not stated): TOPMed below 0.00001; ExAC 0.00001; gnomAD exomes 0.00002 and 0.00003.
gnomAD v4.1: 33 of 1,598,882 alleles (0.0021%); highest among the groups gnomAD compares: Middle Eastern, 0.05%; no homozygotes.

Submissions (2):

Ambry Genetics
Classification: Uncertain significance for Inborn genetic diseases. Last evaluated: 2025-07-15. Review status: criteria provided, single submitter. Criteria: Ambry Variant Classification Scheme 2023. Collection method: clinical testing. Allele origin: germline.

Labcorp Genetics (formerly Invitae), Labcorp
Classification: Uncertain significance. Last evaluated: 2021-10-23. Review status: criteria provided, single submitter. Criteria: Invitae Variant Classification Sherloc (09022015). Collection method: clinical testing. Allele origin: germline.
Comment: This sequence change replaces alanine with serine at codon 788 of the MBTPS1 protein (p.Ala788Ser). The alanine residue is highly conserved and there is a moderate physicochemical difference between alanine and serine. This variant is present in population databases (rs773350884, ExAC 0.009%). This variant has not been reported in the literature in individuals affected with MBTPS1-related conditions. Algorithms developed to predict the effect of missense changes on protein structure and function are either unavailable or do not agree on the potential impact of this missense change (SIFT: "Tolerated"; PolyPhen-2: "Possibly Damaging"; Align-GVGD: "Class C0"). In summary, the available evidence is currently insufficient to determine the role of this variant in disease. Therefore, it has been classified as a Variant of Uncertain Significance.

NM_003791.4(MBTPS1):c.2362G>T (p.Ala788Ser)

Gene: MBTPS1 (membrane bound transcription factor peptidase, site 1; minus strand). Cytogenetic location: 16q23.3.
Variant type: single nucleotide variant.
Coding change: c.2362G>T on transcript NM_003791.4 (MANE Select); coding-DNA position 2362, G replaced by T.
Protein change: p.Ala788Ser; replaces alanine 788 with serine.
Molecular consequence: missense variant.
Genome position (GRCh38, 1-based): chr16:84,065,759, C>A on the plus strand (G>T on the coding strand, the complement: MBTPS1 is on the minus strand). VCF-style: chr16-84065759-C-A. GRCh37 (hg19) VCF-style: chr16-84099364-C-A.
Other names: c.2362G>T (NM_003791.2); short protein forms A788S.
Identifiers: ClinVar variation 1351578 (VCV001351578.4), dbSNP rs773350884, ClinGen allele CA8200938.
Genomic context (GRCh38, chr16:84,065,759, plus strand): 5'-TGAAAGTCTGTGTTATCACGACGCCATCTTCTGGAAACTTCGCGATGCTGCACCCTGACG[C>A]ATAATACACTAGGAAAGAGTGTTCAAAGTCAAGGGAACACAGGAACGCCGAACACTTTAA-3'
Protein context (NP_003782.1, residues 778-798): FTLANHDMYY[Ala788Ser]SGCSIAKFPE